The following is an entry in ClinVar:

NM_001372.4(DNAH9):c.3903G>C (p.Gln1301His)

Gene: DNAH9 (dynein axonemal heavy chain 9; plus strand). Cytogenetic location: 17p12.
Variant type: single nucleotide variant.
Coding change: c.3903G>C on transcript NM_001372.4 (MANE Select); coding-DNA position 3903, G replaced by C.
Protein change: p.Gln1301His; replaces glutamine 1301 with histidine.
Molecular consequence: missense variant.
Genome position (GRCh38, 1-based): chr17:11,689,725, G>C. VCF-style: chr17-11689725-G-C. GRCh37 (hg19) VCF-style: chr17-11593042-G-C.
Other names: c.3903G>C (NM_001372.3); short protein forms Q1301H.
Identifiers: ClinVar variation 2182897 (VCV002182897.4), dbSNP rs759339818, ClinGen allele CA8395567.

ClinVar aggregate classification (germline): Uncertain significance. Review status: criteria provided, multiple submitters, no conflicts (2 of 4 stars). 3 submissions from 3 submitters: Uncertain significance (3). Last evaluated 2024-04-29.

Conditions:
Inborn genetic diseases. Identifiers: MedGen C0950123, MeSH D030342.

Allele frequency attached by ClinVar (database versions not stated): ExAC 0.00002; gnomAD exomes 0.00006; TOPMed 0.00006; gnomAD 0.00009.
gnomAD v4.1: 109 of 1,614,080 alleles (0.0068%); highest among the groups gnomAD compares: Non-Finnish European, 0.0082%; no homozygotes.

Submissions (3):

Ambry Genetics
Classification: Uncertain significance for Inborn genetic diseases. Last evaluated: 2024-04-29. Review status: criteria provided, single submitter. Criteria: Ambry Variant Classification Scheme 2023. Collection method: clinical testing. Allele origin: germline.

Labcorp Genetics (formerly Invitae), Labcorp
Classification: Uncertain significance. Last evaluated: 2022-01-16. Review status: criteria provided, single submitter. Criteria: Invitae Variant Classification Sherloc (09022015). Collection method: clinical testing. Allele origin: germline.
Comment: In summary, the available evidence is currently insufficient to determine the role of this variant in disease. Therefore, it has been classified as a Variant of Uncertain Significance. Algorithms developed to predict the effect of missense changes on protein structure and function (SIFT, PolyPhen-2, Align-GVGD) all suggest that this variant is likely to be tolerated. This variant has not been reported in the literature in individuals affected with DNAH9-related conditions. This variant is present in population databases (rs759339818, gnomAD 0.009%). This sequence change replaces glutamine, which is neutral and polar, with histidine, which is basic and polar, at codon 1301 of the DNAH9 protein (p.Gln1301His).

Blueprint Genetics
Classification: Uncertain significance. Last evaluated: 2020-12-12. Review status: criteria provided, single submitter. Criteria: ACMG Guidelines, 2015. Collection method: clinical testing. Allele origin: germline.